The following is an entry in ClinVar:

NM_000038.6(APC):c.4258C>T (p.Pro1420Ser)

Gene: APC (APC regulator of Wnt signaling pathway; plus strand). Cytogenetic location: 5q22.2.
Variant type: single nucleotide variant.
Coding change: c.4258C>T on transcript NM_000038.6 (MANE Select); coding-DNA position 4258, C replaced by T.
Protein change: p.Pro1420Ser; replaces proline 1420 with serine.
Molecular consequence: missense variant. On other transcripts: non-coding transcript variant (2).
Genome position (GRCh38, 1-based): chr5:112,839,852, C>T. VCF-style: chr5-112839852-C-T. GRCh37 (hg19) VCF-style: chr5-112175549-C-T.
Other names: c.4258C>T, p.Pro1420Ser (NM_001127510.3, NM_001354895.2, NM_001407450.1); c.4204C>T, p.Pro1402Ser (NM_001127511.3); c.4312C>T, p.Pro1438Ser (NM_001354896.2, NM_001407447.1, NM_001407448.1 and 1 more transcripts); c.4288C>T, p.Pro1430Ser (NM_001354897.2); c.4183C>T, p.Pro1395Ser (NM_001354898.2); c.4174C>T, p.Pro1392Ser (NM_001354899.2); c.4135C>T, p.Pro1379Ser (NM_001354900.2); c.4081C>T, p.Pro1361Ser (NM_001354901.2, NM_001407453.1); and 11 more; short protein forms P1137S, P1294S, P1361S, P1392S, P1395S, P1402S, P1420S, P1329S.
Identifiers: ClinVar variation 3635458 (VCV003635458.2).

ClinVar aggregate classification (germline): Uncertain significance (1 of 4 stars; one submission).

Conditions:
Familial adenomatous polyposis 1 (FAP1). Also called: FAMILIAL ADENOMATOUS POLYPOSIS 1, ATTENUATED; POLYPOSIS, ADENOMATOUS INTESTINAL. Identifiers: MedGen C2713442, MONDO:0021056, OMIM 175100. Disease mechanism: loss of function.

Submission:

Labcorp Genetics (formerly Invitae), Labcorp
Classification: Uncertain significance for Familial adenomatous polyposis 1. Last evaluated: 2024-04-10. Review status: criteria provided, single submitter. Criteria: Invitae Variant Classification Sherloc (09022015). Collection method: clinical testing. Allele origin: germline.
Comment: This sequence change replaces proline, which is neutral and non-polar, with serine, which is neutral and polar, at codon 1420 of the APC protein (p.Pro1420Ser). This variant is not present in population databases (gnomAD no frequency). This variant has not been reported in the literature in individuals affected with APC-related conditions. Advanced modeling of protein sequence and biophysical properties (such as structural, functional, and spatial information, amino acid conservation, physicochemical variation, residue mobility, and thermodynamic stability) has been performed at Invitae for this missense variant, however the output from this modeling did not meet the statistical confidence thresholds required to predict the impact of this variant on APC protein function. In summary, the available evidence is currently insufficient to determine the role of this variant in disease. Therefore, it has been classified as a Variant of Uncertain Significance.